The following is an entry in ClinVar:

ClinVar aggregate classification (germline): Uncertain significance. Review status: criteria provided, multiple submitters, no conflicts (2 of 4 stars). 3 submissions from 3 submitters: Uncertain significance (3). Last evaluated 2025-05-05.

Conditions:
Inborn genetic diseases. Identifiers: MedGen C0950123, MeSH D030342.
EAST syndrome (SESAMES). Also called: SEIZURES, SENSORINEURAL DEAFNESS, ATAXIA, IMPAIRED INTELLECTUAL DEVELOPMENT, AND ELECTROLYTE IMBALANCE. Identifiers: Orphanet 199343, MedGen C2748572, MONDO:0013005, OMIM 612780.

Allele frequency attached by ClinVar (database versions not stated): gnomAD 0.00001; gnomAD exomes 0.00001; TOPMed 0.00001.

Submissions (3):

GeneDx
Classification: Uncertain significance. Last evaluated: 2025-05-05. Review status: criteria provided, single submitter. Criteria: GeneDx Variant Classification Process June 2021. Collection method: clinical testing. Allele origin: germline. Affected: yes.
Comment: Not observed at significant frequency in large population cohorts (gnomAD); In silico analysis suggests that this missense variant does not alter protein structure/function; Has not been previously published as pathogenic or benign to our knowledge

Labcorp Genetics (formerly Invitae), Labcorp
Classification: Uncertain significance for EAST syndrome. Last evaluated: 2022-09-01. Review status: criteria provided, single submitter. Criteria: Invitae Variant Classification Sherloc (09022015). Collection method: clinical testing. Allele origin: germline.
Comment: In summary, the available evidence is currently insufficient to determine the role of this variant in disease. Therefore, it has been classified as a Variant of Uncertain Significance. Algorithms developed to predict the effect of missense changes on protein structure and function (SIFT, PolyPhen-2, Align-GVGD) all suggest that this variant is likely to be tolerated. This variant has not been reported in the literature in individuals affected with KCNJ10-related conditions. This variant is present in population databases (no rsID available, gnomAD 0.002%). This sequence change replaces isoleucine, which is neutral and non-polar, with valine, which is neutral and non-polar, at codon 44 of the KCNJ10 protein (p.Ile44Val).

Ambry Genetics
Classification: Uncertain significance for Inborn genetic diseases. Last evaluated: 2021-11-15. Review status: criteria provided, single submitter. Criteria: Ambry Variant Classification Scheme 2023. Collection method: clinical testing. Allele origin: germline.

NM_002241.5(KCNJ10):c.130A>G (p.Ile44Val)

Gene: KCNJ10 (potassium inwardly rectifying channel subfamily J member 10; minus strand). Cytogenetic location: 1q23.2.
Variant type: single nucleotide variant.
Coding change: c.130A>G on transcript NM_002241.5 (MANE Select); coding-DNA position 130, A replaced by G.
Protein change: p.Ile44Val; replaces isoleucine 44 with valine.
Molecular consequence: missense variant.
Genome position (GRCh38, 1-based): chr1:160,042,403, T>C on the plus strand (A>G on the coding strand, the complement: KCNJ10 is on the minus strand). VCF-style: chr1-160042403-T-C. GRCh37 (hg19) VCF-style: chr1-160012193-T-C.
Other names: short protein forms I44V.
Identifiers: ClinVar variation 1959080 (VCV001959080.7), dbSNP rs1331687844, ClinGen allele CA343230061.
Genomic context (GRCh38, chr1:160,042,403, plus strand): 5'-ACTGCATGTCAATGAAGGTTGTCCACAGGTCCTTGAGGTAGAGGAAGCGCTTGTCGGCAA[T>C]GTGCTCCATTCTCACGTTGCTGCGACCATCTTTTGTCAGGACTCTCCGCCGTCGTATCCC-3'
Protein context (NP_002232.2, residues 34-54): DGRSNVRMEH[Ile44Val]ADKRFLYLKD